The following is an entry in ClinVar:

ClinVar aggregate classification (germline): Uncertain significance (1 of 4 stars; one submission).

Conditions:
Neuropathy, hereditary sensory and autonomic, type 2A (HSAN2A). Also called: ACROOSTEOLYSIS, GIACCAI TYPE; ACROOSTEOLYSIS, NEUROGENIC; MORVAN DISEASE; NEUROPATHY, CONGENITAL SENSORY; NEUROPATHY, HEREDITARY SENSORY RADICULAR, AUTOSOMAL RECESSIVE; NEUROPATHY, HEREDITARY SENSORY, TYPE IIA. Identifiers: Orphanet 970, MedGen C2752089, MONDO:0024309, OMIM 201300.
Pseudohypoaldosteronism type 2C (PHA2C). Also called: Pseudohypoaldosteronism Type IIC. Identifiers: Orphanet 757, Orphanet 88940, MedGen C1840391, MONDO:0013778, OMIM 614492.

Allele frequency attached by ClinVar (database versions not stated): TOPMed below 0.00001; gnomAD 0.00001; gnomAD exomes 0.00001.
gnomAD v4.1: 9 of 1,614,090 alleles (0.00056%); highest among the groups gnomAD compares: Non-Finnish European, 0.00076%; no homozygotes.

Submission:

Labcorp Genetics (formerly Invitae), Labcorp
Classification: Uncertain significance for Neuropathy, hereditary sensory and autonomic, type 2A; Pseudohypoaldosteronism type 2C. Last evaluated: 2022-03-29. Review status: criteria provided, single submitter. Criteria: Invitae Variant Classification Sherloc (09022015). Collection method: clinical testing. Allele origin: germline.
Comment: In summary, the available evidence is currently insufficient to determine the role of this variant in disease. Therefore, it has been classified as a Variant of Uncertain Significance. Advanced modeling of protein sequence and biophysical properties (such as structural, functional, and spatial information, amino acid conservation, physicochemical variation, residue mobility, and thermodynamic stability) performed at Invitae indicates that this missense variant is not expected to disrupt WNK1 protein function. This variant has not been reported in the literature in individuals affected with WNK1-related conditions. This variant is not present in population databases (gnomAD no frequency). This sequence change replaces leucine, which is neutral and non-polar, with phenylalanine, which is neutral and non-polar, at codon 1879 of the WNK1 protein (p.Leu1879Phe).

NM_018979.4(WNK1):c.4879C>T (p.Leu1627Phe)

Gene: WNK1 (WNK lysine deficient protein kinase 1; plus strand). Cytogenetic location: 12p13.33.
Variant type: single nucleotide variant.
Coding change: c.4879C>T on transcript NM_018979.4 (MANE Select); coding-DNA position 4879, C replaced by T.
Protein change: p.Leu1627Phe; replaces leucine 1627 with phenylalanine.
Molecular consequence: missense variant.
Genome position (GRCh38, 1-based): chr12:885,683, C>T. VCF-style: chr12-885683-C-T. GRCh37 (hg19) VCF-style: chr12-994849-C-T.
Other names: c.5659C>T, p.Leu1887Phe (NM_001184985.2); c.4138C>T, p.Leu1380Phe (NM_014823.3); c.5635C>T, p.Leu1879Phe (NM_213655.5); short protein forms L1879F, L1887F, L1627F, L1380F.
Identifiers: ClinVar variation 2143756 (VCV002143756.4), dbSNP rs1238626224, ClinGen allele CA383332122.